The following is an entry in ClinVar:

ClinVar aggregate classification (germline): Uncertain significance (1 of 4 stars; one submission).

Submission:

GeneDx
Classification: Uncertain significance. Last evaluated: 2025-03-17. Review status: criteria provided, single submitter. Criteria: GeneDx Variant Classification Process June 2021. Collection method: clinical testing. Allele origin: germline. Affected: yes.
Comment: Not observed at significant frequency in large population cohorts (gnomAD); In silico analysis indicates that this missense variant does not alter protein structure/function; Has not been previously published as pathogenic or benign to our knowledge

NM_024496.4(IRF2BPL):c.1336A>T (p.Met446Leu)

Gene: IRF2BPL (interferon regulatory factor 2 binding protein like; minus strand). Cytogenetic location: 14q24.3.
Variant type: single nucleotide variant.
Coding change: c.1336A>T on transcript NM_024496.4 (MANE Select); coding-DNA position 1336, A replaced by T.
Protein change: p.Met446Leu; replaces methionine 446 with leucine.
Molecular consequence: missense variant.
Genome position (GRCh38, 1-based): chr14:77,026,457, T>A on the plus strand (A>T on the coding strand, the complement: IRF2BPL is on the minus strand). VCF-style: chr14-77026457-T-A. GRCh37 (hg19) VCF-style: chr14-77492800-T-A.
Other names: short protein forms M446L.
Identifiers: ClinVar variation 4086593 (VCV004086593.1).
Genomic context (GRCh38, chr14:77,026,457, plus strand): 5'-GCTTCTTTTCGTACTCCAGGTACTTGAAACCCGAGGATAGGCCCCGGCCGAAGTCCTTCA[T>A]GCAGTCCTGATACATCTGCTTGGCCACACCAGATGCACTGGAGTACACGTTGCCCGAGCC-3'
Protein context (NP_078772.1, residues 436-456): GVAKQMYQDC[Met446Leu]KDFGRGLSSG